The following is an entry in ClinVar:

NM_004329.3(BMPR1A):c.983C>G (p.Thr328Ser)

Gene: BMPR1A (bone morphogenetic protein receptor type 1A; plus strand). Cytogenetic location: 10q23.2.
Variant type: single nucleotide variant.
Coding change: c.983C>G on transcript NM_004329.3 (MANE Select); coding-DNA position 983, C replaced by G.
Protein change: p.Thr328Ser; replaces threonine 328 with serine.
Molecular consequence: missense variant.
Genome position (GRCh38, 1-based): chr10:86,919,286, C>G. VCF-style: chr10-86919286-C-G. GRCh37 (hg19) VCF-style: chr10-88679043-C-G.
Other names: short protein forms T328S.
Identifiers: ClinVar variation 460520 (VCV000460520.14), dbSNP rs1554891053, ClinGen allele CA377460404.

ClinVar aggregate classification (germline): Uncertain significance. Review status: criteria provided, multiple submitters, no conflicts (2 of 4 stars). 3 submissions from 3 submitters: Uncertain significance (3). Last evaluated 2024-08-13.

Conditions:
Juvenile polyposis syndrome (JPS). Identifiers: Orphanet 2929, MedGen C0345893, MONDO:0017380, OMIM 174900.
Hereditary cancer-predisposing syndrome. Also called: Hereditary neoplastic syndrome; Neoplastic Syndromes, Hereditary; Tumor predisposition; Hereditary Cancer Syndrome. Identifiers: Orphanet 140162, MedGen C0027672, MeSH D009386, MONDO:0015356.

Allele frequency attached by ClinVar (database versions not stated): gnomAD 0.00001.
gnomAD v4.1: 1 of 1,613,850 alleles (0.000062%); highest among the groups gnomAD compares: African/African-American, 0.0013%; no homozygotes.

Submissions (3):

Ambry Genetics
Classification: Uncertain significance for Hereditary cancer-predisposing syndrome. Last evaluated: 2024-08-13. Review status: criteria provided, single submitter. Criteria: Ambry Variant Classification Scheme 2023. Collection method: clinical testing. Allele origin: germline.
Comment: The p.T328S variant (also known as c.983C>G), located in coding exon 8 of the BMPR1A gene, results from a C to G substitution at nucleotide position 983. The threonine at codon 328 is replaced by serine, an amino acid with similar properties. This amino acid position is not well conserved in available vertebrate species. In addition, this alteration is predicted to be tolerated by in silico analysis. Since supporting evidence is limited at this time, the clinical significance of this alteration remains unclear.

Labcorp Genetics (formerly Invitae), Labcorp
Classification: Uncertain significance for Juvenile polyposis syndrome. Last evaluated: 2021-09-07. Review status: criteria provided, single submitter. Criteria: Invitae Variant Classification Sherloc (09022015). Collection method: clinical testing. Allele origin: germline.
Comment: This sequence change replaces threonine with serine at codon 328 of the BMPR1A protein (p.Thr328Ser). The threonine residue is moderately conserved and there is a small physicochemical difference between threonine and serine. This variant is not present in population databases (ExAC no frequency). This variant has not been reported in the literature in individuals affected with BMPR1A-related conditions. Algorithms developed to predict the effect of missense changes on protein structure and function (SIFT, PolyPhen-2, Align-GVGD) all suggest that this variant is likely to be tolerated. Algorithms developed to predict the effect of sequence changes on RNA splicing suggest that this variant may create or strengthen a splice site. In summary, the available evidence is currently insufficient to determine the role of this variant in disease. Therefore, it has been classified as a Variant of Uncertain Significance.

Color Diagnostics, LLC DBA Color Health
Classification: Uncertain significance for Hereditary cancer-predisposing syndrome. Last evaluated: 2018-11-16. Review status: criteria provided, single submitter. Criteria: ACMG Guidelines, 2015. Collection method: clinical testing. Allele origin: germline.